The following is an entry in ClinVar:

NM_001025616.3(ARHGAP24):c.828C>T (p.Ser276=)

Gene: ARHGAP24 (Rho GTPase activating protein 24; plus strand). Cytogenetic location: 4q21.23.
Variant type: single nucleotide variant.
Coding change: c.828C>T on transcript NM_001025616.3 (MANE Select); coding-DNA position 828, C replaced by T.
Protein change: p.Ser276=; no amino-acid change (serine 276 retained).
Molecular consequence: synonymous variant.
Genome position (GRCh38, 1-based): chr4:85,977,591, C>T. VCF-style: chr4-85977591-C-T. GRCh37 (hg19) VCF-style: chr4-86898744-C-T.
Other names: c.543C>T, p.Ser181= (NM_001042669.2); c.573C>T, p.Ser191= (NM_001287805.2); c.249C>T, p.Ser83= (NM_001346093.2); c.549C>T, p.Ser183= (NM_031305.3); c.828C>T (NM_001025616.2).
Identifiers: ClinVar variation 2043879 (VCV002043879.6), dbSNP rs375963145, ClinGen allele CA2994618.

ClinVar aggregate classification (germline): Benign. Review status: criteria provided, single submitter (1 of 4 stars). 2 submissions from 2 submitters: Benign (1). 1 of the submissions does not count toward it. Last evaluated 2025-12-22.

Conditions:
ARHGAP24-related disorder. Also called: ARHGAP24-related condition.

Allele frequency attached by ClinVar (database versions not stated): gnomAD exomes 0.00002; ExAC 0.00003; ESP Exome Variant Server 0.00015; gnomAD 0.00015; TOPMed 0.00015; 1000 Genomes Project 0.00020; 1000 Genomes Project 30x 0.00031.
gnomAD v4.1: 61 of 1,613,762 alleles (0.0038%); highest among the groups gnomAD compares: African/African-American, 0.069%; no homozygotes.

Submissions (2):

Labcorp Genetics (formerly Invitae), Labcorp
Classification: Benign. Last evaluated: 2025-12-22. Review status: criteria provided, single submitter. Criteria: Invitae Variant Classification Sherloc (09022015). Collection method: clinical testing. Allele origin: germline.

PreventionGenetics, part of Exact Sciences
Classification: Likely benign for ARHGAP24-related condition. Last evaluated: 2020-01-21. Review status: no assertion criteria provided. Collection method: clinical testing. Allele origin: germline. Not counted in ClinVar's aggregate classification.
Comment: This variant is classified as likely benign based on ACMG/AMP sequence variant interpretation guidelines (Richards et al. 2015 PMID: 25741868, with internal and published modifications).